The following is an entry in ClinVar:

ClinVar aggregate classification (germline): Uncertain significance. Review status: criteria provided, multiple submitters, no conflicts (2 of 4 stars). 4 submissions from 4 submitters: Uncertain significance (4). Last evaluated 2025-07-25.

Conditions:
Endometrial carcinoma. Also called: Endometrial carcinoma, somatic. Identifiers: MedGen C0476089, MONDO:0002447, OMIM 608089, HP:0012114.
Familial adenomatous polyposis 4 (FAP4). Also called: MSH3-related attenuated familial adenomatous polyposis. Identifiers: Orphanet 480536, MedGen C4310719, MONDO:0044300, OMIM 617100.
Hereditary cancer-predisposing syndrome. Also called: Neoplastic Syndromes, Hereditary; Tumor predisposition; Hereditary neoplastic syndrome; Hereditary Cancer Syndrome. Identifiers: Orphanet 140162, MedGen C0027672, MeSH D009386, MONDO:0015356.

gnomAD v4.1: 1 of 1,614,132 alleles (0.000062%); no homozygotes.

Submissions (4):

Ambry Genetics
Classification: Uncertain significance for Hereditary cancer-predisposing syndrome. Last evaluated: 2025-07-25. Review status: criteria provided, single submitter. Criteria: Ambry Variant Classification Scheme 2023. Collection method: clinical testing. Allele origin: germline.
Comment: The p.Q202P variant (also known as c.605A>C), located in coding exon 4 of the MSH3 gene, results from an A to C substitution at nucleotide position 605. The glutamine at codon 202 is replaced by proline, an amino acid with similar properties. This amino acid position is poorly conserved in available vertebrate species. In addition, this alteration is predicted to be tolerated by in silico analysis. Since supporting evidence is limited at this time, the clinical significance of this alteration remains unclear.

Labcorp Genetics (formerly Invitae), Labcorp
Classification: Uncertain significance. Last evaluated: 2025-02-02. Review status: criteria provided, single submitter. Criteria: Invitae Variant Classification Sherloc (09022015). Collection method: clinical testing. Allele origin: germline.
Comment: This sequence change replaces glutamine, which is neutral and polar, with proline, which is neutral and non-polar, at codon 202 of the MSH3 protein (p.Gln202Pro). This variant is not present in population databases (gnomAD no frequency). This variant has not been reported in the literature in individuals affected with MSH3-related conditions. ClinVar contains an entry for this variant (Variation ID: 826161). An algorithm developed to predict the effect of missense changes on protein structure and function outputs the following: PolyPhen-2: "Benign". The proline amino acid residue is found in multiple mammalian species, which suggests that this missense change does not adversely affect protein function. In summary, the available evidence is currently insufficient to determine the role of this variant in disease. Therefore, it has been classified as a Variant of Uncertain Significance.

Department of Human Genetics, Hannover Medical School
Classification: Uncertain significance for Familial adenomatous polyposis 4. Last evaluated: 2024-08-15. Review status: criteria provided, single submitter. Criteria: ACMG Guidelines, 2015. Collection method: clinical testing. Allele origin: germline. Inheritance: Autosomal recessive inheritance. Affected: yes.

Department of Pathology and Laboratory Medicine, Sinai Health System
Classification: Uncertain significance for Endometrial carcinoma; Familial adenomatous polyposis 4. Last evaluated: 2023-02-28. Review status: criteria provided, single submitter. Criteria: ACMG Guidelines, 2015. Collection method: research. Allele origin: germline.

NM_002439.5(MSH3):c.605A>C (p.Gln202Pro)

Gene: MSH3 (mutS homolog 3; plus strand). Cytogenetic location: 5q14.1.
Variant type: single nucleotide variant.
Coding change: c.605A>C on transcript NM_002439.5 (MANE Select); coding-DNA position 605, A replaced by C.
Protein change: p.Gln202Pro; replaces glutamine 202 with proline.
Molecular consequence: missense variant.
Genome position (GRCh38, 1-based): chr5:80,670,122, A>C. VCF-style: chr5-80670122-A-C. GRCh37 (hg19) VCF-style: chr5-79965941-A-C.
Other names: short protein forms Q202P.
Identifiers: ClinVar variation 826161 (VCV000826161.16), dbSNP rs1580550136, ClinGen allele CA360265936.